The following is an entry in ClinVar:

NM_001613.4(ACTA2):c.256A>G (p.Lys86Glu)

Gene: ACTA2 (actin alpha 2, smooth muscle; minus strand). Cytogenetic location: 10q23.31.
Variant type: single nucleotide variant.
Coding change: c.256A>G on transcript NM_001613.4 (MANE Select); coding-DNA position 256, A replaced by G.
Protein change: p.Lys86Glu; replaces lysine 86 with glutamic acid.
Molecular consequence: missense variant.
Genome position (GRCh38, 1-based): chr10:88,947,260, T>C on the plus strand (A>G on the coding strand, the complement: ACTA2 is on the minus strand). VCF-style: chr10-88947260-T-C. GRCh37 (hg19) VCF-style: chr10-90707017-T-C.
Other names: c.256A>G, p.Lys86Glu (NM_001141945.3, NM_001320855.2, NM_001406462.1 and 4 more transcripts); short protein forms K86E.
Identifiers: ClinVar variation 926430 (VCV000926430.5), dbSNP rs1845968514, ClinGen allele CA377513277.
Genomic context (GRCh38, chr10:88,947,260, plus strand): 5'-TCAGAGAACACAGGGATTATGCATCCTGAGGGCCCAAGCTGCAGCAAACCTCCCATACCT[T>C]TTCCATGTCGTCCCAGTTGGTGATGATGCCATGTTCTATCGGGTACTTCAGGGTCAGGAT-3'
Protein context (NP_001604.1, residues 76-96): GIITNWDDME[Lys86Glu]IWHHSFYNEL

ClinVar aggregate classification (germline): Uncertain significance (1 of 4 stars; one submission).

Conditions:
Familial thoracic aortic aneurysm and aortic dissection (TAAD). Also called: Thoracic aortic aneurysms and dissections. Identifiers: Orphanet 91387, MedGen C4707243, MONDO:0019625.

Submission:

Color Diagnostics, LLC DBA Color Health
Classification: Uncertain significance for Familial thoracic aortic aneurysm and aortic dissection. Last evaluated: 2019-04-14. Review status: criteria provided, single submitter. Criteria: ACMG Guidelines, 2015. Collection method: clinical testing. Allele origin: germline.
Comment: This missense variant replaces lysine with glutamic acid at codon 86 of the ACTA2 protein. Computational prediction tools and conservation analyses suggest that this variant may have deleterious impact on the protein function. Computational splicing tools suggest that this variant may not impact RNA splicing. To our knowledge, functional assays have not been performed for this variant nor has this variant been reported in individuals affected with cardiovascular disorders in the literature. This variant has not been identified in the general population by the Genome Aggregation Database (gnomAD). Available evidence is insufficient to determine the role of this variant in disease conclusively. Therefore, this variant is classified as a Variant of Uncertain Significance.